The following is an entry in ClinVar:

ClinVar aggregate classification (germline): Uncertain significance (1 of 4 stars; one submission).

Conditions:
Cardiomyopathy (CMYO). Also called: Cardiomyopathies. Identifiers: Orphanet 167848, MedGen C0878544, MONDO:0004994, HP:0001638. Inheritance: Various modes of inheritance.

Submission:

Color Diagnostics, LLC DBA Color Health
Classification: Uncertain significance for Cardiomyopathy. Last evaluated: 2025-06-23. Review status: criteria provided, single submitter. Criteria: ACMG Guidelines, 2015. Collection method: clinical testing. Allele origin: germline.
Comment: This missense variant replaces leucine with phenylalanine at codon 4491 of the RYR2 protein. Computational prediction is inconclusive regarding the impact of this variant on protein structure and function. To our knowledge, functional studies have not been reported for this variant. This variant has not been reported in individuals affected with RYR2-related disorders in the literature. This variant has not been identified in the general population by the Genome Aggregation Database (gnomAD). The available evidence is insufficient to determine the role of this variant in disease conclusively. Therefore, this variant is classified as a Variant of Uncertain Significance.

NM_001035.3(RYR2):c.13471C>T (p.Leu4491Phe)

Gene: RYR2 (ryanodine receptor 2; plus strand). Cytogenetic location: 1q43.
Variant type: single nucleotide variant.
Coding change: c.13471C>T on transcript NM_001035.3 (MANE Select); coding-DNA position 13471, C replaced by T.
Protein change: p.Leu4491Phe; replaces leucine 4491 with phenylalanine.
Molecular consequence: missense variant.
Genome position (GRCh38, 1-based): chr1:237,788,130, C>T. VCF-style: chr1-237788130-C-T. GRCh37 (hg19) VCF-style: chr1-237951430-C-T.
Other names: short protein forms L4491F.
Identifiers: ClinVar variation 4759101 (VCV004759101.1).